The following is an entry in ClinVar:

NM_015030.2(FRYL):c.8350G>A (p.Glu2784Lys)

Gene: FRYL (FRY like transcription coactivator; minus strand). Cytogenetic location: 4p11.
Variant type: single nucleotide variant.
Coding change: c.8350G>A on transcript NM_015030.2 (MANE Select); coding-DNA position 8350, G replaced by A.
Protein change: p.Glu2784Lys; replaces glutamic acid 2784 with lysine.
Molecular consequence: missense variant.
Genome position (GRCh38, 1-based): chr4:48,510,103, C>T on the plus strand (G>A on the coding strand, the complement: FRYL is on the minus strand). VCF-style: chr4-48510103-C-T. GRCh37 (hg19) VCF-style: chr4-48512120-C-T.
Other names: short protein forms E2784K.
Identifiers: ClinVar variation 3342740 (VCV003342740.1).
Genomic context (GRCh38, chr4:48,510,103, plus strand): 5'-GTAAAAAGAGACTGACCTGCTCAGCGGCTTCTCTTTTCACATTGTATGTATCCAGGTGTT[C>T]TTGCAACTCCAAAACACCAAACTTGAGTGTTTCCAGCAAACCACATGACATCAGCTGTCA-3'
Protein context (NP_055845.1, residues 2774-2794): TLKFGVLELQ[Glu2784Lys]HLDTYNVKRE

ClinVar aggregate classification (germline): Uncertain significance (1 of 4 stars; one submission).

Submission:

GeneDx
Classification: Uncertain significance. Last evaluated: 2022-12-04. Review status: criteria provided, single submitter. Criteria: GeneDx Variant Classification Process June 2021. Collection method: clinical testing. Allele origin: germline. Affected: yes.
Comment: In silico analysis supports that this missense variant has a deleterious effect on protein structure/function; Not observed at significant frequency in large population cohorts (gnomAD); Has not been previously published as pathogenic or benign to our knowledge; Variants in candidate genes are classified as variants of uncertain significance in accordance with ACMG guidelines (Richards et al., 2015)